The following is an entry in ClinVar:

NM_001103.4(ACTN2):c.703G>A (p.Val235Met)

Gene: ACTN2 (actinin alpha 2; plus strand). Cytogenetic location: 1q43.
Variant type: single nucleotide variant.
Coding change: c.703G>A on transcript NM_001103.4 (MANE Select); coding-DNA position 703, G replaced by A.
Protein change: p.Val235Met; replaces valine 235 with methionine.
Molecular consequence: missense variant. On other transcripts: 5 prime UTR variant (1), intron variant (1).
Genome position (GRCh38, 1-based): chr1:236,735,640, G>A. VCF-style: chr1-236735640-G-A. GRCh37 (hg19) VCF-style: chr1-236898940-G-A.
Other names: p.V235M:GTG>ATG; c.-33G>A (NM_001278344.2); c.783+1122G>A (NM_001278343.2); short protein forms V235M.
Identifiers: ClinVar variation 201632 (VCV000201632.19), dbSNP rs754929573, ClinGen allele CA335015.

ClinVar aggregate classification (germline): Uncertain significance. Review status: criteria provided, multiple submitters, no conflicts (2 of 4 stars). 5 submissions from 5 submitters: Uncertain significance (5). Last evaluated 2026-05-13.

Conditions:
ACTN2-related disorder. Also called: ACTN2-related disorders; ACTN2 related condition.
Dilated cardiomyopathy 1AA (CMD1AA). Also called: CARDIOMYOPATHY, DILATED, 1AA, WITH OR WITHOUT LEFT VENTRICULAR NONCOMPACTION; CARDIOMYOPATHY, FAMILIAL HYPERTROPHIC, 23, WITH OR WITHOUT LEFT VENTRICULAR NONCOMPACTION; Cardiomyopathy, dilated, 1AA, with or without LVNC. Identifiers: Orphanet 154, MedGen C2677338, MONDO:0012808, OMIM 612158.
Myopathy, congenital, with structured cores and z-line abnormalities. Also called: MULTIPLE STRUCTURED CORE DISEASE; CONGENITAL MYOPATHY 8. Identifiers: MedGen C5231445, MONDO:0032852, OMIM 618654.
Myopathy, distal, 6, adult-onset, autosomal dominant. Identifiers: MedGen C5203349, MONDO:0032853, OMIM 618655.
Cardiovascular phenotype. Identifiers: MedGen CN230736.
Primary familial hypertrophic cardiomyopathy (HCM). Identifiers: Orphanet 99739, MedGen C0949658, MeSH D024741, MONDO:0024573. Inheritance: Various modes of inheritance.

Allele frequency attached by ClinVar (database versions not stated): TOPMed below 0.00001; gnomAD exomes 0.00001 and 0.00002; ExAC 0.00002.
gnomAD v4.1: 22 of 1,613,944 alleles (0.0014%); highest among the groups gnomAD compares: South Asian, 0.0055%; no homozygotes.

Submissions (5):

PreventionGenetics, part of Exact Sciences
Classification: Uncertain significance for ACTN2-related condition. Last evaluated: 2026-05-13. Review status: criteria provided, single submitter. Criteria: ACMG Guidelines, 2015. Collection method: clinical testing. Allele origin: germline.
Comment: The ACTN2 c.703G>A variant is predicted to result in the amino acid substitution p.Val235Met. To our knowledge, this variant has not been reported in the literature. This variant is reported in 0.0033% of alleles in individuals of South Asian descent in gnomAD. At this time, the clinical significance of this variant is uncertain due to the absence of conclusive functional and genetic evidence.

Ambry Genetics
Classification: Uncertain significance for Cardiovascular phenotype. Last evaluated: 2025-10-24. Review status: criteria provided, single submitter. Criteria: Ambry Variant Classification Scheme 2023. Collection method: clinical testing. Allele origin: germline.
Comment: The p.V235M variant (also known as c.703G>A), located in coding exon 8 of the ACTN2 gene, results from a G to A substitution at nucleotide position 703. The valine at codon 235 is replaced by methionine, an amino acid with highly similar properties. This variant was reported in individual(s) with features consistent with dilated cardiomyopathy (Ambry internal data). This amino acid position is well conserved in available vertebrate species. In addition, the in silico prediction for this alteration is inconclusive. Based on the available evidence, the clinical significance of this variant remains unclear.

Labcorp Genetics (formerly Invitae), Labcorp
Classification: Uncertain significance for Primary familial hypertrophic cardiomyopathy; Dilated cardiomyopathy 1AA. Last evaluated: 2024-09-24. Review status: criteria provided, single submitter. Criteria: Invitae Variant Classification Sherloc (09022015). Collection method: clinical testing. Allele origin: germline.
Comment: This sequence change replaces valine, which is neutral and non-polar, with methionine, which is neutral and non-polar, at codon 235 of the ACTN2 protein (p.Val235Met). This variant is present in population databases (rs754929573, gnomAD 0.003%). This variant has not been reported in the literature in individuals affected with ACTN2-related conditions. ClinVar contains an entry for this variant (Variation ID: 201632). Invitae Evidence Modeling of protein sequence and biophysical properties (such as structural, functional, and spatial information, amino acid conservation, physicochemical variation, residue mobility, and thermodynamic stability) indicates that this missense variant is expected to disrupt ACTN2 protein function with a positive predictive value of 95%. In summary, the available evidence is currently insufficient to determine the role of this variant in disease. Therefore, it has been classified as a Variant of Uncertain Significance.

Fulgent Genetics
Classification: Uncertain significance for Dilated cardiomyopathy 1AA; Myopathy, congenital, with structured cores and z-line abnormalities; Myopathy, distal, 6, adult-onset, autosomal dominant. Last evaluated: 2021-09-30. Review status: criteria provided, single submitter. Criteria: ACMG Guidelines, 2015. Collection method: clinical testing. Allele origin: unknown.

GeneDx
Classification: Uncertain significance. Last evaluated: 2015-11-19. Review status: criteria provided, single submitter. Criteria: GeneDx Variant Classification (06012015). Collection method: clinical testing. Allele origin: germline. Affected: yes.
Comment: A variant of unknown significance has been identified in the ACTN2 gene. The V235M variant has not been published as a mutation or as a benign polymorphism to our knowledge. The V235M variant was not observed in approximately 6,500 individuals of European and African American ancestry in the NHLBI Exome Sequencing Project, indicating it is not a common benign variant in these populations. This substitution occurs at a position that is completely conserved in mammals. Moreover, in silico analysis predicts this variant is probably damaging to the protein structure/function. Nevertheless, the V235M variant is a conservative amino acid substitution, which is not likely to impact secondary protein structure as these residues share similar properties. Furthermore, no missense mutations in nearby residues have been published, indicating this region of the protein may be tolerant of change. The variant is found in CARDIOMYOPATHY panel(s).